The following is an entry in ClinVar:

NM_005859.5(PURA):c.41C>T (p.Ala14Val)

Gene: PURA (purine rich element binding protein A; plus strand). Cytogenetic location: 5q31.3.
Variant type: single nucleotide variant.
Coding change: c.41C>T on transcript NM_005859.5 (MANE Select); coding-DNA position 41, C replaced by T.
Protein change: p.Ala14Val; replaces alanine 14 with valine.
Molecular consequence: missense variant.
Genome position (GRCh38, 1-based): chr5:140,114,222, C>T. VCF-style: chr5-140114222-C-T. GRCh37 (hg19) VCF-style: chr5-139493807-C-T.
Other names: short protein forms A14V.
Identifiers: ClinVar variation 1723468 (VCV001723468.3), dbSNP rs1282141695, ClinGen allele CA361489092.

ClinVar aggregate classification (germline): Likely benign (1 of 4 stars; one submission).

Allele frequency attached by ClinVar (database versions not stated): TOPMed below 0.00001.

Submission:

GeneDx
Classification: Likely benign. Last evaluated: 2023-04-21. Review status: criteria provided, single submitter. Criteria: GeneDx Variant Classification Process June 2021. Collection method: clinical testing. Allele origin: germline. Affected: yes.
Comment: Not observed at significant frequency in large population cohorts (gnomAD); In silico analysis supports that this missense variant does not alter protein structure/function; Has not been previously published as pathogenic or benign to our knowledge